The following is an entry in ClinVar:

NM_004863.4(SPTLC2):c.434G>A (p.Arg145Lys)

Gene: SPTLC2 (serine palmitoyltransferase long chain base subunit 2; minus strand). Cytogenetic location: 14q24.3.
Variant type: single nucleotide variant.
Coding change: c.434G>A on transcript NM_004863.4 (MANE Select); coding-DNA position 434, G replaced by A.
Protein change: p.Arg145Lys; replaces arginine 145 with lysine.
Molecular consequence: missense variant.
Genome position (GRCh38, 1-based): chr14:77,579,003, C>T on the plus strand (G>A on the coding strand, the complement: SPTLC2 is on the minus strand). VCF-style: chr14-77579003-C-T. GRCh37 (hg19) VCF-style: chr14-78045346-C-T.
Other names: short protein forms R145K.
Identifiers: ClinVar variation 1720850 (VCV001720850.5), dbSNP rs2503518561, ClinGen allele CA390700701.

ClinVar aggregate classification (germline): Uncertain significance (1 of 4 stars; one submission).

Conditions:
Neuropathy, hereditary sensory and autonomic, type 1C. Also called: HSAN IC; HSN IC. Identifiers: Orphanet 36386, MedGen C3150896, MONDO:0013337, OMIM 613640.

Submission:

Labcorp Genetics (formerly Invitae), Labcorp
Classification: Uncertain significance for Neuropathy, hereditary sensory and autonomic, type 1C. Last evaluated: 2022-10-03. Review status: criteria provided, single submitter. Criteria: Invitae Variant Classification Sherloc (09022015). Collection method: clinical testing. Allele origin: germline.
Comment: This sequence change replaces arginine, which is basic and polar, with lysine, which is basic and polar, at codon 145 of the SPTLC2 protein (p.Arg145Lys). This variant is not present in population databases (gnomAD no frequency). This variant has not been reported in the literature in individuals affected with SPTLC2-related conditions. Advanced modeling of protein sequence and biophysical properties (such as structural, functional, and spatial information, amino acid conservation, physicochemical variation, residue mobility, and thermodynamic stability) performed at Invitae indicates that this missense variant is not expected to disrupt SPTLC2 protein function. In summary, the available evidence is currently insufficient to determine the role of this variant in disease. Therefore, it has been classified as a Variant of Uncertain Significance.